The following is an entry in ClinVar:

ClinVar aggregate classification (germline): Uncertain significance. Review status: criteria provided, multiple submitters, no conflicts (2 of 4 stars). 4 submissions from 4 submitters: Uncertain significance (4). Last evaluated 2025-02-16.

Conditions:
Shprintzen-Goldberg syndrome (SGS). Also called: CRANIOSYNOSTOSIS WITH ARACHNODACTYLY AND ABDOMINAL HERNIAS; Marfanoid disorder with craniosynostosis type 1; Marfanoid craniosynostosis syndrome; Shprintzen-Goldberg marfanoid syndrome; SHPRINTZEN-GOLDBERG CRANIOSYNOSTOSIS SYNDROME. Identifiers: Orphanet 2462, MedGen C1321551, MONDO:0008426, OMIM 182212.
Familial thoracic aortic aneurysm and aortic dissection (TAAD). Also called: Thoracic aortic aneurysms and dissections. Identifiers: Orphanet 91387, MedGen C4707243, MONDO:0019625.

Allele frequency attached by ClinVar (database versions not stated): gnomAD 0.00003; TOPMed 0.00002.
gnomAD v4.1: 8 of 1,604,406 alleles (0.0005%); highest among the groups gnomAD compares: Non-Finnish European, 0.00068%; no homozygotes.

Submissions (4):

Labcorp Genetics (formerly Invitae), Labcorp
Classification: Uncertain significance for Shprintzen-Goldberg syndrome. Last evaluated: 2025-02-16. Review status: criteria provided, single submitter. Criteria: Invitae Variant Classification Sherloc (09022015). Collection method: clinical testing. Allele origin: germline.
Comment: This sequence change replaces aspartic acid, which is acidic and polar, with glutamic acid, which is acidic and polar, at codon 305 of the SKI protein (p.Asp305Glu). This variant is present in population databases (no rsID available, gnomAD 0.003%). This variant has not been reported in the literature in individuals affected with SKI-related conditions. ClinVar contains an entry for this variant (Variation ID: 499239). Invitae Evidence Modeling of protein sequence and biophysical properties (such as structural, functional, and spatial information, amino acid conservation, physicochemical variation, residue mobility, and thermodynamic stability) indicates that this missense variant is not expected to disrupt SKI protein function with a negative predictive value of 95%. In summary, the available evidence is currently insufficient to determine the role of this variant in disease. Therefore, it has been classified as a Variant of Uncertain Significance.

Ambry Genetics
Classification: Uncertain significance for Familial thoracic aortic aneurysm and aortic dissection. Last evaluated: 2025-01-19. Review status: criteria provided, single submitter. Criteria: Ambry Variant Classification Scheme 2023. Collection method: clinical testing. Allele origin: germline.

GeneDx
Classification: Uncertain significance. Last evaluated: 2023-09-28. Review status: criteria provided, single submitter. Criteria: GeneDx Variant Classification Process June 2021. Collection method: clinical testing. Allele origin: germline. Affected: yes.
Comment: Has not been previously published as pathogenic or benign to our knowledge; In silico analysis supports that this missense variant does not alter protein structure/function

Eurofins Ntd Llc (ga)
Classification: Uncertain significance. Last evaluated: 2016-12-13. Review status: criteria provided, single submitter. Criteria: EGL Classification Definitions 2015. Collection method: clinical testing. Allele origin: germline. Observed: 1 variant allele, 1 heterozygote.

NM_003036.4(SKI):c.915C>G (p.Asp305Glu)

Gene: SKI (SKI proto-oncogene; plus strand). Cytogenetic location: 1p36.33.
Variant type: single nucleotide variant.
Coding change: c.915C>G on transcript NM_003036.4 (MANE Select); coding-DNA position 915, C replaced by G.
Protein change: p.Asp305Glu; replaces aspartic acid 305 with glutamic acid.
Molecular consequence: missense variant.
Genome position (GRCh38, 1-based): chr1:2,229,681, C>G. VCF-style: chr1-2229681-C-G. GRCh37 (hg19) VCF-style: chr1-2161120-C-G.
Other names: c.915C>G (NM_003036.3); short protein forms D305E.
Identifiers: ClinVar variation 499239 (VCV000499239.11), dbSNP rs900879745, ClinGen allele CA16872802.